The following is an entry in ClinVar:

NM_002485.5(NBN):c.320+6A>G

Gene: NBN (nibrin; minus strand). Cytogenetic location: 8q21.3.
Variant type: single nucleotide variant.
Coding change: c.320+6A>G on transcript NM_002485.5 (MANE Select); 6 bases into the intron after coding-DNA position 320, A replaced by G.
Molecular consequence: intron variant.
Genome position (GRCh38, 1-based): chr8:89,981,369, T>C on the plus strand (A>G on the coding strand, the complement: NBN is on the minus strand). VCF-style: chr8-89981369-T-C. GRCh37 (hg19) VCF-style: chr8-90993597-T-C.
Other names: c.74+6A>G (NM_001024688.3).
Identifiers: ClinVar variation 461554 (VCV000461554.10), dbSNP rs757321173, ClinGen allele CA4803011.

ClinVar aggregate classification (germline): Uncertain significance. Review status: criteria provided, multiple submitters, no conflicts (2 of 4 stars). 3 submissions from 3 submitters: Uncertain significance (3). Last evaluated 2022-06-25.

Conditions:
Hereditary cancer-predisposing syndrome. Also called: Hereditary neoplastic syndrome; Neoplastic Syndromes, Hereditary; Tumor predisposition; Hereditary Cancer Syndrome. Identifiers: Orphanet 140162, MedGen C0027672, MeSH D009386, MONDO:0015356.
Microcephaly, normal intelligence and immunodeficiency (NBS). Also called: IMMUNODEFICIENCY, MICROCEPHALY, AND CHROMOSOMAL INSTABILITY; SEEMANOVA SYNDROME II; Nijmegen breakage syndrome; Microcephaly with normal intelligence immunodeficiency and lymphoreticular malignancies; Nonsyndromal microcephaly autosomal recessive with normal intelligence; Seemanova syndrome 2. Identifiers: Orphanet 647, MedGen C0398791, MONDO:0009623, OMIM 251260.

Allele frequency attached by ClinVar (database versions not stated): ExAC 0.00001; gnomAD exomes 0.00001.
gnomAD v4.1: 7 of 1,613,488 alleles (0.00043%); highest among the groups gnomAD compares: South Asian, 0.0033%; no homozygotes.

Submissions (3):

Labcorp Genetics (formerly Invitae), Labcorp
Classification: Uncertain significance for Microcephaly, normal intelligence and immunodeficiency. Last evaluated: 2022-06-25. Review status: criteria provided, single submitter. Criteria: Invitae Variant Classification Sherloc (09022015). Collection method: clinical testing. Allele origin: germline.
Comment: This sequence change falls in intron 3 of the NBN gene. It does not directly change the encoded amino acid sequence of the NBN protein. It affects a nucleotide within the consensus splice site. This variant is present in population databases (rs757321173, gnomAD 0.006%). This variant has not been reported in the literature in individuals affected with NBN-related conditions. ClinVar contains an entry for this variant (Variation ID: 461554). Variants that disrupt the consensus splice site are a relatively common cause of aberrant splicing (PMID: 17576681, 9536098). Algorithms developed to predict the effect of sequence changes on RNA splicing suggest that this variant is not likely to affect RNA splicing. In summary, the available evidence is currently insufficient to determine the role of this variant in disease. Therefore, it has been classified as a Variant of Uncertain Significance.

Genome-Nilou Lab
Classification: Uncertain significance for Microcephaly, normal intelligence and immunodeficiency. Last evaluated: 2021-11-07. Review status: criteria provided, single submitter. Criteria: ACMG Guidelines, 2015. Collection method: clinical testing. Allele origin: germline. Affected: no.

Sema4
Classification: Uncertain significance for Hereditary cancer-predisposing syndrome. Last evaluated: 2021-05-14. Review status: criteria provided, single submitter. Criteria: Sema4 Curation Guidelines. Collection method: curation. Allele origin: germline.
Comment: The NBN c.320+6A>G variant has not been reported in the literature to our knowledge. It was observed in 2/30602 chromosomes of the South Asian subpopulation in the large and broad cohorts of the Genome Aggregation Database (PMID: 32461654). The variant has been reported in ClinVar (Variation ID: 461554). In silico tools suggest this variant has no impact on splicing, though these predictions have not been confirmed by functional studies. The evidence is insufficient to meet ACMG/AMP criteria for classifying the variant as benign or pathogenic. Thus, the clinical significance of this variant is currently uncertain.

Literature cited by the submitters: PubMed 17576681 (cited by Labcorp Genetics (formerly Invitae), Labcorp); PubMed 9536098 (cited by Labcorp Genetics (formerly Invitae), Labcorp).